The following is an entry in ClinVar:

NM_024642.5(GALNT12):c.776T>G (p.Val259Gly)

Gene: GALNT12 (polypeptide N-acetylgalactosaminyltransferase 12; plus strand). Cytogenetic location: 9q22.33.
Variant type: single nucleotide variant.
Coding change: c.776T>G on transcript NM_024642.5 (MANE Select); coding-DNA position 776, T replaced by G.
Protein change: p.Val259Gly; replaces valine 259 with glycine.
Molecular consequence: missense variant.
Genome position (GRCh38, 1-based): chr9:98,831,816, T>G. VCF-style: chr9-98831816-T-G. GRCh37 (hg19) VCF-style: chr9-101594098-T-G.
Other names: short protein forms V259G.
Identifiers: ClinVar variation 962513 (VCV000962513.14), dbSNP rs147356342, ClinGen allele CA196823846.

ClinVar aggregate classification (germline): Uncertain significance. Review status: criteria provided, multiple submitters, no conflicts (2 of 4 stars). 3 submissions from 3 submitters: Uncertain significance (3). Last evaluated 2024-02-20.

Conditions:
Colorectal cancer, susceptibility to, 1. Also called: COLORECTAL ADENOMA AND CANCER, SUSCEPTIBILITY TO; COLORECTAL CANCER, SUSCEPTIBILITY TO, ON CHROMOSOME 9. Identifiers: MedGen C1837315, MONDO:0012132, OMIM 608812.

Allele frequency attached by ClinVar (database versions not stated): TOPMed 0.00001.
gnomAD v4.1: 19 of 1,614,220 alleles (0.0012%); highest among the groups gnomAD compares: Non-Finnish European, 0.0016%; no homozygotes.

Submissions (3):

Ambry Genetics
Classification: Uncertain significance. Last evaluated: 2024-02-20. Review status: criteria provided, single submitter. Criteria: Ambry Variant Classification Scheme 2023. Collection method: clinical testing. Allele origin: germline.
Comment: The p.V259G variant (also known as c.776T>G), located in coding exon 4 of the GALNT12 gene, results from a T to G substitution at nucleotide position 776. The valine at codon 259 is replaced by glycine, an amino acid with dissimilar properties. This amino acid position is highly conserved in available vertebrate species. In addition, this alteration is predicted to be deleterious by in silico analysis. Since supporting evidence is limited at this time, the clinical significance of this alteration remains unclear.

Baylor Genetics
Classification: Uncertain significance for Colorectal cancer, susceptibility to, 1. Last evaluated: 2024-01-11. Review status: criteria provided, single submitter. Criteria: ACMG Guidelines, 2015. Collection method: clinical testing. Allele origin: unknown.

Labcorp Genetics (formerly Invitae), Labcorp
Classification: Uncertain significance. Last evaluated: 2022-07-06. Review status: criteria provided, single submitter. Criteria: Invitae Variant Classification Sherloc (09022015). Collection method: clinical testing. Allele origin: germline.
Comment: This sequence change replaces valine, which is neutral and non-polar, with glycine, which is neutral and non-polar, at codon 259 of the GALNT12 protein (p.Val259Gly). This variant is not present in population databases (gnomAD no frequency). This variant has not been reported in the literature in individuals affected with GALNT12-related conditions. ClinVar contains an entry for this variant (Variation ID: 962513). Algorithms developed to predict the effect of missense changes on protein structure and function (SIFT, PolyPhen-2, Align-GVGD) all suggest that this variant is likely to be disruptive. In summary, the available evidence is currently insufficient to determine the role of this variant in disease. Therefore, it has been classified as a Variant of Uncertain Significance.